The following is an entry in ClinVar:

ClinVar aggregate classification (germline): Benign (1 of 4 stars; one submission).

Allele frequency attached by ClinVar (database versions not stated): gnomAD 0.00250 and 0.00270; TOPMed 0.00318; 1000 Genomes Project 30x 0.00083; 1000 Genomes Project 0.00106.

Submission:

GeneDx
Classification: Benign. Last evaluated: 2018-02-23. Review status: criteria provided, single submitter. Criteria: GeneDx Variant Classification (06012015). Collection method: clinical testing. Allele origin: germline. Affected: yes.
Comment: This variant is considered likely benign or benign based on one or more of the following criteria: it is a conservative change, it occurs at a poorly conserved position in the protein, it is predicted to be benign by multiple in silico algorithms, and/or has population frequency not consistent with disease.

NM_007075.4(WDR45):c.-385G>C

Gene: WDR45 (WD repeat domain 45; minus strand). Cytogenetic location: Xp11.23.
Variant type: single nucleotide variant.
Coding change: c.-385G>C on transcript NM_007075.4; 385 bases upstream of the start codon, G replaced by C.
Molecular consequence: 5 prime UTR variant.
Genome position (GRCh38, 1-based): chrX:49,101,067, C>G on the plus strand (G>C on the coding strand, the complement: WDR45 is on the minus strand). VCF-style: chrX-49101067-C-G. GRCh37 (hg19) VCF-style: chrX-48958005-C-G.
Identifiers: ClinVar variation 380945 (VCV000380945.3), dbSNP rs781955990, ClinGen allele CA16608884.